The following is an entry in ClinVar:

NC_000009.12:g.(?_132896215)_(132900857_?)del

Gene: TSC1 (TSC complex subunit 1; minus strand). Cytogenetic location: 9q34.13.
Variant type: Deletion.
Identifiers: ClinVar variation 830757 (VCV000830757.7).

ClinVar aggregate classification (germline): Pathogenic (1 of 4 stars; one submission).

Conditions:
Tuberous sclerosis 1 (TSC1). Identifiers: Orphanet 805, MedGen C1854465, MONDO:0008612, OMIM 191100.

Submission:

Labcorp Genetics (formerly Invitae), Labcorp
Classification: Pathogenic for Tuberous sclerosis 1. Last evaluated: 2019-09-19. Review status: criteria provided, single submitter. Criteria: Invitae Variant Classification Sherloc (09022015). Collection method: clinical testing. Allele origin: germline.
Comment: For these reasons, this variant has been classified as Pathogenic. A sub-genic deletion of exons 21-23 has been determined to be pathogenic (PMID: 17287951, 11281455, 16225402). Therefore, deletions that fully encompass that region are also expected to be pathogenic. This variant has not been reported in the literature in individuals with TSC1-related conditions. This variant is a gross deletion of the genomic region encompassing exons 20-23 of the TSC1 gene. The 5' boundary is likely confined to intron 19. The 3' end of this event is unknown as it extends through the termination codon beyond the assayed region for this gene and may encompass additional genes. While this deletion is not anticipated to result in nonsense mediated decay, it is expected to create a truncated protein product or disrupt mRNA translation.

Literature cited by the submitters: PubMed 17287951; PubMed 11281455; PubMed 16225402.